The following is an entry in ClinVar:

ClinVar aggregate classification (germline): Uncertain significance (1 of 4 stars; one submission).

Allele frequency attached by ClinVar (database versions not stated): ESP Exome Variant Server 0.00015.
gnomAD v4.1: 21 of 1,613,976 alleles (0.0013%); highest among the groups gnomAD compares: African/African-American, 0.0053%; no homozygotes.

Submission:

Ambry Genetics
Classification: Uncertain significance. Last evaluated: 2025-09-07. Review status: criteria provided, single submitter. Criteria: Ambry Variant Classification Scheme 2023. Collection method: clinical testing. Allele origin: germline.
Comment: The p.K816R variant (also known as c.2447A>G), located in coding exon 14 of the PKP4 gene, results from an A to G substitution at nucleotide position 2447. The lysine at codon 816 is replaced by arginine, an amino acid with highly similar properties. This amino acid position is conserved. In addition, the in silico prediction for this alteration is inconclusive. Since supporting evidence is limited at this time, the clinical significance of this alteration remains unclear.

NM_003628.6(PKP4):c.2447A>G (p.Lys816Arg)

Genes: PKP4 (plakophilin 4; plus strand), PKP4-AS1 (PKP4 antisense RNA 1; minus strand). Cytogenetic location: 2q24.1.
Variant type: single nucleotide variant.
Coding change: c.2447A>G on transcript NM_003628.6 (MANE Select); coding-DNA position 2447, A replaced by G.
Protein change: p.Lys816Arg; replaces lysine 816 with arginine.
Molecular consequence: missense variant.
Genome position (GRCh38, 1-based): chr2:158,663,315, A>G. VCF-style: chr2-158663315-A-G. GRCh37 (hg19) VCF-style: chr2-159519827-A-G.
Other names: c.2447A>G, p.Lys816Arg (NM_001005476.4, NM_001304971.2, NM_001377218.1 and 1 more transcripts); c.2444A>G, p.Lys815Arg (NM_001304969.3, NM_001377219.1, NM_001377220.1 and 2 more transcripts); c.1418A>G, p.Lys473Arg (NM_001304970.3); c.2441A>G, p.Lys814Arg (NM_001377222.1, NM_001377223.1); c.2438A>G, p.Lys813Arg (NM_001377224.1); short protein forms K814R, K473R, K813R, K815R, K816R.
Identifiers: ClinVar variation 1791403 (VCV001791403.3), dbSNP rs376409775, ClinGen allele CA1920999.
Genomic context (GRCh38, chr2:158,663,315, plus strand): 5'-TGCTGTTTGTCTTTCAGTGGGATGGAGTTGGTCCTATCCCAGGACTGTCGAAGTCCCCCA[A>G]AGGGGTTGAGATGCTGTGGCACCCATCGGTGGTAAAACCATATCTGACTCTTCTAGCAGA-3'
Protein context (NP_003619.2, residues 806-826): GPIPGLSKSP[Lys816Arg]GVEMLWHPSV